The following is an entry in ClinVar:

ClinVar aggregate classification (germline): Uncertain significance (1 of 4 stars; one submission).

Conditions:
Orthostatic hypotension 1 (ORTHYP1). Also called: Orthostatic hypotension 1, due to DBH deficiency; Dopamine beta-hydroxylase deficiency; NORADRENALINE DEFICIENCY; NOREPINEPHRINE DEFICIENCY. Identifiers: Orphanet 230, MedGen C4746777, MONDO:0009123, OMIM 223360.

Allele frequency attached by ClinVar (database versions not stated): TOPMed 0.00001.

Submission:

Labcorp Genetics (formerly Invitae), Labcorp
Classification: Uncertain significance for Orthostatic hypotension 1. Last evaluated: 2023-10-13. Review status: criteria provided, single submitter. Criteria: Invitae Variant Classification Sherloc (09022015). Collection method: clinical testing. Allele origin: germline.
Comment: This sequence change replaces alanine, which is neutral and non-polar, with valine, which is neutral and non-polar, at codon 308 of the DBH protein (p.Ala308Val). This variant is not present in population databases (gnomAD no frequency). This variant has not been reported in the literature in individuals affected with DBH-related conditions. ClinVar contains an entry for this variant (Variation ID: 2134288). An algorithm developed to predict the effect of missense changes on protein structure and function (PolyPhen-2) suggests that this variant is likely to be disruptive. Algorithms developed to predict the effect of sequence changes on RNA splicing suggest that this variant may create or strengthen a splice site. In summary, the available evidence is currently insufficient to determine the role of this variant in disease. Therefore, it has been classified as a Variant of Uncertain Significance.

NM_000787.4(DBH):c.923C>T (p.Ala308Val)

Gene: DBH (dopamine beta-hydroxylase; plus strand). Cytogenetic location: 9q34.2.
Variant type: single nucleotide variant.
Coding change: c.923C>T on transcript NM_000787.4 (MANE Select); coding-DNA position 923, C replaced by T.
Protein change: p.Ala308Val; replaces alanine 308 with valine.
Molecular consequence: missense variant.
Genome position (GRCh38, 1-based): chr9:133,644,219, C>T. VCF-style: chr9-133644219-C-T. GRCh37 (hg19) VCF-style: chr9-136509341-C-T.
Other names: short protein forms A308V.
Identifiers: ClinVar variation 2134288 (VCV002134288.4), dbSNP rs1832155096, ClinGen allele CA375415144.